The following is an entry in ClinVar:

ClinVar aggregate classification (germline): Uncertain significance (1 of 4 stars; one submission).

Submission:

Women's Health and Genetics/Laboratory Corporation of America, LabCorp
Classification: Uncertain significance. Last evaluated: 2026-03-26. Review status: criteria provided, single submitter. Criteria: LabCorp Variant Classification Summary - May 2015. Collection method: clinical testing. Allele origin: germline.
Comment: Variant summary: PIGN c.805G>A (p.Gly269Ser) results in a non-conservative amino acid change in the encoded protein sequence. Algorithms developed to predict the effect of missense changes on protein structure and function are either unavailable or do not agree on the potential impact of this missense change. Several computational tools predict a significant impact on normal splicing: Three predict the variant abolishes a 5' splicing donor site. However, these predictions have yet to be confirmed by functional studies. The variant was absent in 248558 control chromosomes. The available data on variant occurrences in the general population are insufficient to allow any conclusion about variant significance. To our knowledge, no occurrence of c.805G>A in individuals affected with PIGN-related conditions and no experimental evidence demonstrating its impact on protein function have been reported. No submitters have cited clinical-significance assessments for this variant to ClinVar. Based on the evidence outlined above, the variant was classified as uncertain significance.

NM_176787.5(PIGN):c.805G>A (p.Gly269Ser)

Gene: PIGN (phosphatidylinositol glycan anchor biosynthesis class N; minus strand). Cytogenetic location: 18q21.33.
Variant type: single nucleotide variant.
Coding change: c.805G>A on transcript NM_176787.5 (MANE Select); coding-DNA position 805, G replaced by A.
Protein change: p.Gly269Ser; replaces glycine 269 with serine.
Molecular consequence: missense variant.
Genome position (GRCh38, 1-based): chr18:62,146,971, C>T on the plus strand (G>A on the coding strand, the complement: PIGN is on the minus strand). VCF-style: chr18-62146971-C-T. GRCh37 (hg19) VCF-style: chr18-59814204-C-T.
Other names: c.805G>A, p.Gly269Ser (NM_001438896.1, NM_001438904.1, NM_001438905.1 and 2 more transcripts); short protein forms G269S.
Identifiers: ClinVar variation 4847668 (VCV004847668.1).